The following is an entry in ClinVar:

ClinVar aggregate classification (germline): Uncertain significance (1 of 4 stars; one submission).

Conditions:
Hereditary spastic paraplegia 61. Also called: Spastic paraplegia 61, autosomal recessive. Identifiers: Orphanet 401780, MedGen C3810294, MONDO:0014304, OMIM 615685.

Allele frequency attached by ClinVar (database versions not stated): gnomAD exomes 0.00001; ExAC 0.00002.
gnomAD v4.1: 1 of 1,578,098 alleles (0.000063%); no homozygotes.

Submission:

Labcorp Genetics (formerly Invitae), Labcorp
Classification: Uncertain significance for Spastic paraplegia 61, autosomal recessive. Last evaluated: 2019-04-22. Review status: criteria provided, single submitter. Criteria: Invitae Variant Classification Sherloc (09022015). Collection method: clinical testing. Allele origin: germline.
Comment: This sequence change affects codon 57 of the ARL6IP1 mRNA. It is a 'silent' change, meaning that it does not change the encoded amino acid sequence of the ARL6IP1 protein. The frequency data for this variant in the population databases is considered unreliable, as metrics indicate poor data quality at this position in the ExAC database. This variant has not been reported in the literature in individuals with ARL6IP1-related conditions. Algorithms developed to predict the effect of sequence changes on RNA splicing suggest that this variant is not likely to affect RNA splicing, but this prediction has not been confirmed by published transcriptional studies. In summary, the available evidence is currently insufficient to determine the role of this variant in disease. Therefore, it has been classified as a Variant of Uncertain Significance.

NM_015161.3(ARL6IP1):c.171G>A (p.Leu57=)

Gene: ARL6IP1 (ARL6 interacting reticulophagy regulator 1; minus strand). Cytogenetic location: 16p12.3.
Variant type: single nucleotide variant.
Coding change: c.171G>A on transcript NM_015161.3 (MANE Select); coding-DNA position 171, G replaced by A.
Protein change: p.Leu57=; no amino-acid change (leucine 57 retained).
Molecular consequence: synonymous variant.
Genome position (GRCh38, 1-based): chr16:18,798,044, C>T on the plus strand (G>A on the coding strand, the complement: ARL6IP1 is on the minus strand). VCF-style: chr16-18798044-C-T. GRCh37 (hg19) VCF-style: chr16-18809366-C-T.
Other names: c.84G>A, p.Leu28= (NM_001313858.1).
Identifiers: ClinVar variation 945031 (VCV000945031.1), dbSNP rs767572069, ClinGen allele CA7929525.